The following is an entry in ClinVar:

ClinVar aggregate classification (germline): Uncertain significance (1 of 4 stars; one submission).

Submission:

CeGaT Center for Human Genetics Tuebingen
Classification: Uncertain significance. Last evaluated: 2026-02-01. Review status: criteria provided, single submitter. Criteria: CeGaT Center For Human Genetics Tuebingen Variant Classification Criteria Version 2. Collection method: clinical testing. Allele origin: germline. Affected: yes. Observed: 1 variant allele.
Comment: LTBP4: PM2, BP4

NM_001042545.2(LTBP4):c.3686-5C>T

Gene: LTBP4 (latent transforming growth factor beta binding protein 4; plus strand). Cytogenetic location: 19q13.2.
Variant type: single nucleotide variant.
Coding change: c.3686-5C>T on transcript NM_001042545.2 (MANE Select); 5 bases into the intron before coding-DNA position 3686, C replaced by T.
Molecular consequence: intron variant.
Genome position (GRCh38, 1-based): chr19:40,623,931, C>T. VCF-style: chr19-40623931-C-T. GRCh37 (hg19) VCF-style: chr19-41129836-C-T.
Other names: c.3776-5C>T (NM_003573.2); c.3887-5C>T (NM_001042544.1).
Identifiers: ClinVar variation 4823554 (VCV004823554.4).